The following is an entry in ClinVar:

ClinVar aggregate classification (germline): Uncertain significance (1 of 4 stars; one submission).

Conditions:
Atrial fibrillation, familial, 14 (ATFB14). Identifiers: MedGen C3809312, MONDO:0014156, OMIM 615378.

Submission:

Labcorp Genetics (formerly Invitae), Labcorp
Classification: Uncertain significance for Atrial fibrillation, familial, 14. Last evaluated: 2024-05-11. Review status: criteria provided, single submitter. Criteria: Invitae Variant Classification Sherloc (09022015). Collection method: clinical testing. Allele origin: germline.
Comment: This sequence change replaces methionine, which is neutral and non-polar, with isoleucine, which is neutral and non-polar, at codon 30 of the SCN2B protein (p.Met30Ile). This variant is not present in population databases (gnomAD no frequency). This variant has not been reported in the literature in individuals affected with SCN2B-related conditions. An algorithm developed to predict the effect of missense changes on protein structure and function (PolyPhen-2) suggests that this variant is likely to be disruptive. In summary, the available evidence is currently insufficient to determine the role of this variant in disease. Therefore, it has been classified as a Variant of Uncertain Significance.

NM_004588.5(SCN2B):c.90G>A (p.Met30Ile)

Gene: SCN2B (sodium voltage-gated channel beta subunit 2; minus strand). Cytogenetic location: 11q23.3.
Variant type: single nucleotide variant.
Coding change: c.90G>A on transcript NM_004588.5 (MANE Select); coding-DNA position 90, G replaced by A.
Protein change: p.Met30Ile; replaces methionine 30 with isoleucine.
Molecular consequence: missense variant.
Genome position (GRCh38, 1-based): chr11:118,168,732, C>T on the plus strand (G>A on the coding strand, the complement: SCN2B is on the minus strand). VCF-style: chr11-118168732-C-T. GRCh37 (hg19) VCF-style: chr11-118039447-C-T.
Other names: short protein forms M30I.
Identifiers: ClinVar variation 3676380 (VCV003676380.2).